The following is an entry in ClinVar:

NM_004304.5(ALK):c.3422A>G (p.Asp1141Gly)

Gene: ALK (ALK receptor tyrosine kinase; minus strand). Cytogenetic location: 2p23.2.
Variant type: single nucleotide variant.
Coding change: c.3422A>G on transcript NM_004304.5 (MANE Select); coding-DNA position 3422, A replaced by G.
Protein change: p.Asp1141Gly; replaces aspartic acid 1141 with glycine.
Molecular consequence: missense variant.
Genome position (GRCh38, 1-based): chr2:29,222,545, T>C on the plus strand (A>G on the coding strand, the complement: ALK is on the minus strand). VCF-style: chr2-29222545-T-C. GRCh37 (hg19) VCF-style: chr2-29445411-T-C.
Other names: c.218A>G, p.Asp73Gly (NM_001353765.2); short protein forms D73G, D1141G.
Identifiers: ClinVar variation 3523702 (VCV003523702.1).

ClinVar aggregate classification (germline): Uncertain significance (1 of 4 stars; one submission).

Conditions:
Hereditary cancer-predisposing syndrome. Also called: Hereditary Cancer Syndrome; Hereditary neoplastic syndrome; Tumor predisposition; Neoplastic Syndromes, Hereditary. Identifiers: Orphanet 140162, MedGen C0027672, MeSH D009386, MONDO:0015356.

Submission:

Ambry Genetics
Classification: Uncertain significance for Hereditary cancer-predisposing syndrome. Last evaluated: 2024-11-05. Review status: criteria provided, single submitter. Criteria: Ambry Variant Classification Scheme 2023. Collection method: clinical testing. Allele origin: germline.
Comment: The p.D1141G variant (also known as c.3422A>G), located in coding exon 21 of the ALK gene, results from an A to G substitution at nucleotide position 3422. The aspartic acid at codon 1141 is replaced by glycine, an amino acid with similar properties. This amino acid position is conserved. In addition, the in silico prediction for this alteration is inconclusive. Based on the available evidence, the clinical significance of this variant remains unclear.